The following is an entry in ClinVar:

ClinVar aggregate classification (germline): Uncertain significance (1 of 4 stars; one submission).

gnomAD v4.1: 3 of 1,511,782 alleles (0.0002%); highest among the groups gnomAD compares: Non-Finnish European, 0.00027%; no homozygotes.

Submission:

Dasa
Classification: Uncertain significance. Last evaluated: 2025-12-30. Review status: criteria provided, single submitter. Criteria: DASA Assertion Criteria. Collection method: clinical testing. Allele origin: germline.
Comment: NM_001131016.2(CIZ1):c.583C>T (p.Arg195*) is a nonsense variant in CIZ1 predicted to introduce a premature termination codon. This variant is rare in population databases. The currently available literature and clinical evidence are not sufficient to establish a definitive association between this variant and the reported condition. Therefore, this variant is classified as a variant of uncertain significance.

NM_001131016.2(CIZ1):c.583C>T (p.Arg195Ter)

Gene: CIZ1 (CDKN1A interacting zinc finger protein 1; minus strand). Cytogenetic location: 9q34.11.
Variant type: single nucleotide variant.
Coding change: c.583C>T on transcript NM_001131016.2 (MANE Select); coding-DNA position 583, C replaced by T.
Protein change: p.Arg195Ter; replaces arginine 195 with a stop codon.
Molecular consequence: nonsense.
Genome position (GRCh38, 1-based): chr9:128,185,552, G>A on the plus strand (C>T on the coding strand, the complement: CIZ1 is on the minus strand). VCF-style: chr9-128185552-G-A. GRCh37 (hg19) VCF-style: chr9-130947831-G-A.
Other names: c.583C>T, p.Arg195Ter (NM_001131015.2, NM_001131017.2, NM_012127.3); c.511C>T, p.Arg171Ter (NM_001131018.2); c.673C>T, p.Arg225Ter (NM_001257975.2); c.280C>T, p.Arg94Ter (NM_001257976.2); short protein forms R171*, R195*, R225*, R94*.
Identifiers: ClinVar variation 4881512 (VCV004881512.2).